The following is an entry in ClinVar:

ClinVar aggregate classification (germline): Conflicting classifications of pathogenicity. Review status: criteria provided, conflicting classifications (1 of 4 stars). 4 submissions from 4 submitters: Uncertain significance (2); Likely benign (2). Last evaluated 2025-07-21.

Conditions:
Chuvash polycythemia. Also called: POLYCYTHEMIA, VHL-DEPENDENT. Identifiers: Orphanet 238557, MedGen C1837915, MONDO:0009892, OMIM 263400.
Von Hippel-Lindau syndrome (VHLS). Also called: VHL syndrome; Von Hippel-Lindau; von Hippel–Lindau syndrome. Identifiers: Orphanet 892, MedGen C0019562, MONDO:0008667, OMIM 193300. Disease mechanism: loss of function.

Submissions (4):

Color Diagnostics, LLC DBA Color Health
Classification: Uncertain significance for Von Hippel-Lindau syndrome. Last evaluated: 2025-07-21. Review status: criteria provided, single submitter. Criteria: ACMG Guidelines, 2015. Collection method: clinical testing. Allele origin: germline.
Comment: This variant causes deletion of one nucleotide at the +7 position of intron 1 in the VHL gene. To our knowledge, functional studies have not been reported for this variant. This variant has not been reported in individuals affected with VHL-related disorders in the literature. This variant has not been identified in the general population by the Genome Aggregation Database (gnomAD). The available evidence is insufficient to determine the role of this variant in disease conclusively. Therefore, this variant is classified as a Variant of Uncertain Significance.

Myriad Genetics, Inc.
Classification: Likely benign for Von Hippel-Lindau syndrome. Last evaluated: 2025-06-11. Review status: criteria provided, single submitter. Criteria: Myriad Autosomal Dominant, Autosomal Recessive and X-Linked Classification Criteria (2023). Collection method: clinical testing. Allele origin: unknown.
Comment: This variant is considered likely benign. This variant is intronic and is not expected to impact mRNA splicing.

Labcorp Genetics (formerly Invitae), Labcorp
Classification: Likely benign for Von Hippel-Lindau syndrome; Chuvash polycythemia. Last evaluated: 2023-12-26. Review status: criteria provided, single submitter. Criteria: Invitae Variant Classification Sherloc (09022015). Collection method: clinical testing. Allele origin: germline.

All of Us Research Program, National Institutes of Health
Classification: Uncertain significance for Von Hippel-Lindau syndrome. Last evaluated: 2023-04-03. Review status: criteria provided, single submitter. Criteria: ACMG Guidelines, 2015. Collection method: clinical testing. Allele origin: germline. Inheritance: Autosomal dominant inheritance. Observed: 1 variant allele, 1 heterozygote.
Comment: This variant causes deletion of one nucleotide at the +7 position of intron 1 in the VHL gene. To our knowledge, functional studies have not been reported for this variant. This variant has not been reported in individuals affected with VHL-related disorders in the literature. This variant has not been identified in the general population by the Genome Aggregation Database (gnomAD). The available evidence is insufficient to determine the role of this variant in disease conclusively. Therefore, this variant is classified as a Variant of Uncertain Significance.

This study involves interpretation of variants in research participants for the purpose of population health screening. Participant phenotype was not available at the time of variant classification. Additional details can be found in publication PMID: 35346344, PMCID: PMC8962531

NM_000551.4(VHL):c.340+7del

Gene: VHL (von Hippel-Lindau tumor suppressor; plus strand). Cytogenetic location: 3p25.3.
Variant type: Deletion.
Coding change: c.340+7del on transcript NM_000551.4 (MANE Select); 7 bases into the intron after coding-DNA position 340, one base deleted (G; older notation c.340+7delG).
Molecular consequence: intron variant.
Genome position (GRCh38, 1-based): chr3:10,142,194, G deleted; the last of 3 consecutive G bases (chr3:10,142,192-10,142,194); deleting any one gives the same sequence. VCF-style (leftmost placement, unchanged base first): chr3-10142191-CG-C. GRCh37 (hg19) VCF-style: chr3-10183875-CG-C.
Other names: c.340+7del (NM_001354723.2, NM_198156.3).
Identifiers: ClinVar variation 743153 (VCV000743153.12), dbSNP rs1575922613, ClinGen allele CA915941839.
Genomic context (GRCh38, chr3:10,142,191, plus strand): 5'-CGCAGCCCTACCCAACGCTGCCGCCTGGCACGGGCCGCCGCATCCACAGCTACCGAGGTA[CG>C]GGCCCGGCGCTTAGGCCCGACCCAGCAGGGACGATAGCACGGTCTGAAGCCCCTCTACCG-3'